The following is an entry in ClinVar:

NM_001042492.3(NF1):c.7970+1G>A

Gene: NF1 (neurofibromin 1; plus strand). Cytogenetic location: 17q11.2.
Variant type: single nucleotide variant.
Coding change: c.7970+1G>A on transcript NM_001042492.3 (MANE Select); the canonical splice donor site of the intron after coding-DNA position 7970, G replaced by A.
Molecular consequence: splice donor variant.
Genome position (GRCh38, 1-based): chr17:31,357,370, G>A. VCF-style: chr17-31357370-G-A. GRCh37 (hg19) VCF-style: chr17-29684388-G-A.
Other names: c.7907+1G>A (NM_000267.4).
Identifiers: ClinVar variation 439967 (VCV000439967.18), dbSNP rs1555536773, ClinGen allele CA399203571.

ClinVar aggregate classification (germline): Pathogenic. Review status: criteria provided, multiple submitters, no conflicts (2 of 4 stars). 6 submissions from 6 submitters: Pathogenic (6). Last evaluated 2025-09-21.

Conditions:
Chromosome 17q11.2 deletion syndrome, 1.4Mb. Also called: NF1 MICRODELETION SYNDROME; NEUROFIBROMATOSIS 1 MICRODELETION SYNDROME; VAN ASPEREN SYNDROME; Chromosome 17q11.2 deletion syndrome, 1.4 MB. Identifiers: Orphanet 139474, Orphanet 636, Orphanet 97685, MedGen C5401456, MONDO:0013357, OMIM 613675.
Neurofibromatosis, type 1 (NF1). Also called: Neurofibromatosis, type I; Peripheral type neurofibromatosis; VON RECKLINGHAUSEN DISEASE; NEUROFIBROMATOSIS, TYPE I, SOMATIC. Identifiers: Orphanet 636, MedGen C0027831, MONDO:0018975, OMIM 162200. Disease mechanism: loss of function.

Submissions (6):

GeneDx
Classification: Pathogenic. Last evaluated: 2025-09-21. Review status: criteria provided, single submitter. Criteria: GeneDx Variant Classification Process June 2021. Collection method: clinical testing. Allele origin: germline.
Comment: Canonical splice site variant predicted to result in a null allele in a gene for which loss of function is a known mechanism of disease; Not observed at significant frequency in large population cohorts (gnomAD); This variant is associated with the following publications: (PMID: 25525159, 24932921, 10712197, 36273432)

Labcorp Genetics (formerly Invitae), Labcorp
Classification: Pathogenic for Neurofibromatosis, type 1. Last evaluated: 2024-10-10. Review status: criteria provided, single submitter. Criteria: Invitae Variant Classification Sherloc (09022015). Collection method: clinical testing. Allele origin: germline.
Comment: This sequence change affects a donor splice site in intron 53 of the NF1 gene. It is expected to disrupt RNA splicing. Variants that disrupt the donor or acceptor splice site typically lead to a loss of protein function (PMID: 16199547), and loss-of-function variants in NF1 are known to be pathogenic (PMID: 10712197, 23913538). This variant is not present in population databases (gnomAD no frequency). Disruption of this splice site has been observed in individual(s) with neurofibromatosis type 1 (PMID: 10712197). ClinVar contains an entry for this variant (Variation ID: 439967). Algorithms developed to predict the effect of sequence changes on RNA splicing suggest that this variant may disrupt the consensus splice site. For these reasons, this variant has been classified as Pathogenic.

Department of Pathology and Laboratory Medicine, Sinai Health System
Classification: Pathogenic for Chromosome 17q11.2 deletion syndrome, 1.4Mb. Last evaluated: 2024-03-21. Review status: criteria provided, single submitter. Criteria: ACMG Guidelines, 2015. Collection method: clinical testing. Allele origin: germline. Affected: yes.

Athena Diagnostics
Classification: Pathogenic. Last evaluated: 2023-03-13. Review status: criteria provided, single submitter. Criteria: Athena Diagnostics Criteria. Collection method: clinical testing. Allele origin: unknown.
Comment: This variant is expected to severely impact normal RNA splicing, and consequently, protein structure and/or function. This variant has been identified in at least one individual with clinical features associated with neurofibromatosis type 1 (NF1). This variant has not been reported in large, multi-ethnic general populations.

Genome-Nilou Lab
Classification: Pathogenic for Neurofibromatosis, type 1. Last evaluated: 2022-03-15. Review status: criteria provided, single submitter. Criteria: ACMG Guidelines, 2015. Collection method: clinical testing. Allele origin: germline. Affected: no.

ARUP Laboratories, Molecular Genetics and Genomics, ARUP Laboratories
Classification: Pathogenic. Last evaluated: 2016-08-10. Review status: criteria provided, single submitter. Criteria: ARUP Molecular Germline Variant Investigation Process. Collection method: clinical testing. Allele origin: germline.

Literature cited by the submitters: PubMed 16199547 (cited by Labcorp Genetics (formerly Invitae), Labcorp); PubMed 10712197 (cited by 3 submitters); PubMed 23913538 (cited by Labcorp Genetics (formerly Invitae), Labcorp); PubMed 24932921 (cited by Athena Diagnostics).